The following is an entry in ClinVar:

ClinVar aggregate classification (germline): Uncertain significance. Review status: criteria provided, multiple submitters, no conflicts (2 of 4 stars). 5 submissions from 5 submitters: Uncertain significance (5). Last evaluated 2026-09-21.

Conditions:
Marfan syndrome (MFS). Also called: FBN1-Related Marfan Syndrome; Marfan syndrome type 1; Marfan's syndrome; MARFAN SYNDROME, TYPE I; Marfan syndrome, classic. Identifiers: Orphanet 284963, Orphanet 558, MedGen C0024796, MONDO:0007947, OMIM 154700.
Familial thoracic aortic aneurysm and aortic dissection (TAAD). Also called: Thoracic aortic aneurysms and dissections. Identifiers: Orphanet 91387, MedGen C4707243, MONDO:0019625.
Cardiovascular phenotype. Identifiers: MedGen CN230736.

Allele frequency attached by ClinVar (database versions not stated): gnomAD exomes 0.00002; gnomAD 0.00002; TOPMed 0.00002; ExAC 0.00002.
gnomAD v4.1: 15 of 1,613,832 alleles (0.00093%); highest among the groups gnomAD compares: South Asian, 0.0033%; no homozygotes.

Submissions (5):

Molecular Diagnostic Laboratory for Inherited Cardiovascular Disease, Montreal Heart Institute
Classification: Uncertain significance for Cardiovascular phenotype. Last evaluated: 2026-09-21. Review status: criteria provided, single submitter. Criteria: ACMG Guidelines, 2015. Collection method: clinical testing. Allele origin: germline. Affected: yes.
Comment: PP2

Color Diagnostics, LLC DBA Color Health
Classification: Uncertain significance for Familial thoracic aortic aneurysm and aortic dissection. Last evaluated: 2025-01-13. Review status: criteria provided, single submitter. Criteria: ACMG Guidelines, 2015. Collection method: clinical testing. Allele origin: germline.
Comment: This missense variant replaces arginine with histidine at codon 1469 of the FBN1 protein. Computational prediction suggests that this variant may have a deleterious impact on protein structure and function. To our knowledge, functional studies have not been reported for this variant. This variant has not been reported in individuals affected with FBN1-related disorders in the literature. This variant has been identified in 5/282664 chromosomes in the general population by the Genome Aggregation Database (gnomAD). The available evidence is insufficient to determine the role of this variant in disease conclusively. Therefore, this variant is classified as a Variant of Uncertain Significance.

Revvity Omics, Revvity
Classification: Uncertain significance. Last evaluated: 2024-01-29. Review status: criteria provided, single submitter. Criteria: ACMG Guidelines, 2015. Collection method: clinical testing. Allele origin: germline.

All of Us Research Program, National Institutes of Health
Classification: Uncertain significance for Marfan syndrome. Last evaluated: 2024-01-11. Review status: criteria provided, single submitter. Criteria: ACMG Guidelines, 2015. Collection method: clinical testing. Allele origin: germline. Inheritance: Autosomal dominant inheritance. Observed: 1 variant allele, 1 heterozygote.
Comment: This missense variant replaces arginine with histidine at codon 1469 of the FBN1 protein. Computational prediction tools and conservation analyses suggest that this variant may have deleterious impact on the protein function. Computational splicing tools suggest that this variant may not impact RNA splicing. To our knowledge, functional assays have not been performed for this variant nor has this variant been reported in individuals affected with cardiovascular disorders in the literature. This variant has been identified in 5/282664 chromosomes in the general population by the Genome Aggregation Database (gnomAD). Available evidence is insufficient to determine the role of this variant in disease conclusively. Therefore, this variant is classified as a Variant of Uncertain Significance.

This study involves interpretation of variants in research participants for the purpose of population health screening. Participant phenotype was not available at the time of variant classification. Additional details can be found in publication PMID: 35346344, PMCID: PMC8962531

Labcorp Genetics (formerly Invitae), Labcorp
Classification: Uncertain significance for Marfan syndrome; Familial thoracic aortic aneurysm and aortic dissection. Last evaluated: 2023-07-24. Review status: criteria provided, single submitter. Criteria: Invitae Variant Classification Sherloc (09022015). Collection method: clinical testing. Allele origin: germline.
Comment: This sequence change replaces arginine, which is basic and polar, with histidine, which is basic and polar, at codon 1469 of the FBN1 protein (p.Arg1469His). In summary, the available evidence is currently insufficient to determine the role of this variant in disease. Therefore, it has been classified as a Variant of Uncertain Significance. This variant disrupts the p.Arg1469 amino acid residue in FBN1. Other variant(s) that disrupt this residue have been observed in individuals with FBN1-related conditions (PMID: 29543232), which suggests that this may be a clinically significant amino acid residue. Advanced modeling of protein sequence and biophysical properties (such as structural, functional, and spatial information, amino acid conservation, physicochemical variation, residue mobility, and thermodynamic stability) performed at Invitae indicates that this missense variant is expected to disrupt FBN1 protein function. ClinVar contains an entry for this variant (Variation ID: 922683). This missense change has been observed in individual(s) with clinical features of Marfan syndrome (Invitae). This variant is present in population databases (rs397515808, gnomAD 0.006%).

Literature cited by the submitters: PubMed 29543232 (cited by Labcorp Genetics (formerly Invitae), Labcorp).

NM_000138.5(FBN1):c.4406G>A (p.Arg1469His)

Gene: FBN1 (fibrillin 1; minus strand). Cytogenetic location: 15q21.1.
Variant type: single nucleotide variant.
Coding change: c.4406G>A on transcript NM_000138.5 (MANE Select); coding-DNA position 4406, G replaced by A.
Protein change: p.Arg1469His; replaces arginine 1469 with histidine.
Molecular consequence: missense variant.
Genome position (GRCh38, 1-based): chr15:48,470,687, C>T on the plus strand (G>A on the coding strand, the complement: FBN1 is on the minus strand). VCF-style: chr15-48470687-C-T. GRCh37 (hg19) VCF-style: chr15-48762884-C-T.
Other names: short protein forms R1469H.
Identifiers: ClinVar variation 922683 (VCV000922683.18), dbSNP rs397515808, ClinGen allele CA052781.